The following is an entry in ClinVar:

ClinVar aggregate classification (germline): Uncertain significance. Review status: criteria provided, multiple submitters, no conflicts (2 of 4 stars). 3 submissions from 3 submitters: Uncertain significance (3). Last evaluated 2026-01-24.

Conditions:
Inborn genetic diseases. Identifiers: MedGen C0950123, MeSH D030342.

Allele frequency attached by ClinVar (database versions not stated): TOPMed below 0.00001; ExAC 0.00009.
gnomAD v4.1: 6 of 1,499,752 alleles (0.0004%); highest among the groups gnomAD compares: South Asian, 0.0024%; no homozygotes.

Submissions (3):

Labcorp Genetics (formerly Invitae), Labcorp
Classification: Uncertain significance. Last evaluated: 2026-01-24. Review status: criteria provided, single submitter. Criteria: Invitae Variant Classification Sherloc (09022015). Collection method: clinical testing. Allele origin: germline.
Comment: This sequence change replaces threonine, which is neutral and polar, with alanine, which is neutral and non-polar, at codon 286 of the NEFH protein (p.Thr286Ala). This variant is present in population databases (rs770443491, gnomAD 0.004%). This variant has not been reported in the literature in individuals affected with NEFH-related conditions. ClinVar contains an entry for this variant (Variation ID: 1946968). Invitae Evidence Modeling of protein sequence and biophysical properties (such as structural, functional, and spatial information, amino acid conservation, physicochemical variation, residue mobility, and thermodynamic stability) indicates that this missense variant is not expected to disrupt NEFH protein function with a negative predictive value of 95%. In summary, the available evidence is currently insufficient to determine the role of this variant in disease. Therefore, it has been classified as a Variant of Uncertain Significance.

Ambry Genetics
Classification: Uncertain significance for Inborn genetic diseases. Last evaluated: 2024-01-23. Review status: criteria provided, single submitter. Criteria: Ambry Variant Classification Scheme 2023. Collection method: clinical testing. Allele origin: germline.

Blueprint Genetics
Classification: Uncertain significance. Last evaluated: 2020-05-15. Review status: criteria provided, single submitter. Criteria: ACMG Guidelines, 2015. Collection method: clinical testing. Allele origin: germline.

NM_021076.4(NEFH):c.856A>G (p.Thr286Ala)

Gene: NEFH (neurofilament heavy chain; plus strand). Cytogenetic location: 22q12.2.
Variant type: single nucleotide variant.
Coding change: c.856A>G on transcript NM_021076.4 (MANE Select); coding-DNA position 856, A replaced by G.
Protein change: p.Thr286Ala; replaces threonine 286 with alanine.
Molecular consequence: missense variant.
Genome position (GRCh38, 1-based): chr22:29,481,118, A>G. VCF-style: chr22-29481118-A-G. GRCh37 (hg19) VCF-style: chr22-29877107-A-G.
Other names: c.856A>G (NM_021076.3); short protein forms T286A.
Identifiers: ClinVar variation 1946968 (VCV001946968.7), dbSNP rs770443491, ClinGen allele CA10174043.